The following is an entry in ClinVar:

ClinVar aggregate classification (germline): Likely benign (1 of 4 stars; one submission).

gnomAD v4.1: 1 of 1,614,044 alleles (0.000062%); no homozygotes.

Submission:

CeGaT Center for Human Genetics Tuebingen
Classification: Likely benign. Last evaluated: 2026-02-01. Review status: criteria provided, single submitter. Criteria: CeGaT Center For Human Genetics Tuebingen Variant Classification Criteria Version 2. Collection method: clinical testing. Allele origin: germline. Affected: yes. Observed: 1 variant allele.
Comment: FBN1: BP4, BP7

NM_000138.5(FBN1):c.7497A>T (p.Leu2499=)

Gene: FBN1 (fibrillin 1; minus strand). Cytogenetic location: 15q21.1.
Variant type: single nucleotide variant.
Coding change: c.7497A>T on transcript NM_000138.5 (MANE Select); coding-DNA position 7497, A replaced by T.
Protein change: p.Leu2499=; no amino-acid change (leucine 2499 retained).
Molecular consequence: synonymous variant.
Genome position (GRCh38, 1-based): chr15:48,422,025, T>A on the plus strand (A>T on the coding strand, the complement: FBN1 is on the minus strand). VCF-style: chr15-48422025-T-A. GRCh37 (hg19) VCF-style: chr15-48714222-T-A.
Other names: c.7497A>T, p.Leu2499= (NM_001406716.1).
Identifiers: ClinVar variation 2582933 (VCV002582933.25), dbSNP rs148516442, ClinGen allele CA058698.
Genomic context (GRCh38, chr15:48,422,025, plus strand): 5'-ATGGTGTTGGGTAAATCCGGGAGGACATTTGCATGTGAAGCCGCCAATGGTGTTAACACA[T>A]AGGAACTGGCAGTTGTGTTGCTTGGTTGCACACTCATCAAGATCTACAAGAAAATGCAAG-3'
Protein context (NP_000129.3, residues 2489-2509): CATKQHNCQF[Leu2499=]CVNTIGGFTC